The following is an entry in ClinVar:

NM_173598.6(KSR2):c.352G>A (p.Asp118Asn)

Gene: KSR2 (kinase suppressor of ras 2; minus strand). Cytogenetic location: 12q24.23.
Variant type: single nucleotide variant.
Coding change: c.352G>A on transcript NM_173598.6 (MANE Select); coding-DNA position 352, G replaced by A.
Protein change: p.Asp118Asn; replaces aspartic acid 118 with asparagine.
Molecular consequence: missense variant.
Genome position (GRCh38, 1-based): chr12:117,855,548, C>T on the plus strand (G>A on the coding strand, the complement: KSR2 is on the minus strand). VCF-style: chr12-117855548-C-T. GRCh37 (hg19) VCF-style: chr12-118293353-C-T.
Other names: short protein forms D118N.
Identifiers: ClinVar variation 4978093 (VCV004978093.1).

ClinVar aggregate classification (germline): Uncertain significance (1 of 4 stars; one submission).

Conditions:
KSR2-related disorder. Also called: KSR2-related condition.

gnomAD v4.1: 8 of 1,614,028 alleles (0.0005%); highest among the groups gnomAD compares: Non-Finnish European, 0.00059%; no homozygotes.

Submission:

PreventionGenetics, part of Exact Sciences
Classification: Uncertain significance for KSR2-related condition. Last evaluated: 2026-07-21. Review status: criteria provided, single submitter. Criteria: ACMG Guidelines, 2015. Collection method: clinical testing. Allele origin: germline.
Comment: The KSR2 c.265G>A variant is predicted to result in the amino acid substitution p.Asp89Asn. To our knowledge, this variant has not been reported in the literature. This variant is reported in 0.0018% of alleles in individuals of European (Non-Finnish) descent in gnomAD. At this time, the clinical significance of this variant is uncertain due to the absence of conclusive functional and genetic evidence.